The following is an entry in ClinVar:

NM_000264.5(PTCH1):c.3460del (p.Ala1154fs)

Gene: PTCH1 (patched 1; minus strand). Cytogenetic location: 9q22.32.
Variant type: Deletion.
Coding change: c.3460del on transcript NM_000264.5 (MANE Select); coding-DNA position 3460, one base deleted (G; older notation c.3460delG).
Protein change: p.Ala1154fs; shifts the reading frame from alanine 1154.
Molecular consequence: frameshift variant. On other transcripts: non-coding transcript variant (1).
Genome position (GRCh38, 1-based): chr9:95,449,930, C deleted on the plus strand (G on the coding strand, the reverse complement: PTCH1 is on the minus strand). VCF-style (leftmost placement, unchanged base first): chr9-95449929-GC-G. GRCh37 (hg19) VCF-style: chr9-98212211-GC-G.
Other names: c.3262del, p.Ala1088fs (NM_001083602.3); c.3457del, p.Ala1153fs (NM_001083603.3); c.3007del, p.Ala1003fs (NM_001083604.3, NM_001083605.3, NM_001083606.3 and 1 more transcripts); c.3304del, p.Ala1102fs (NM_001354918.2); short protein forms A1153fs, A1102fs, A1154fs, A1003fs, A1088fs.
Identifiers: ClinVar variation 409127 (VCV000409127.7), dbSNP rs1060502264, ClinGen allele CA16612662.

ClinVar aggregate classification (germline): Pathogenic (1 of 4 stars; one submission).

Conditions:
Gorlin syndrome. Also called: Nevoid Basal Cell Carcinoma Syndrome; Basal cell nevus syndrome. Identifiers: Orphanet 377, MedGen C0004779, MONDO:0007187.

Submission:

Labcorp Genetics (formerly Invitae), Labcorp
Classification: Pathogenic for Gorlin syndrome. Last evaluated: 2016-10-21. Review status: criteria provided, single submitter. Criteria: Invitae Variant Classification Sherloc (09022015). Collection method: clinical testing. Allele origin: germline.
Comment: This sequence change deletes 1 nucleotide from exon 21 of the PTCH1 mRNA (c.3460delG), causing a frameshift at codon 1154. This creates a premature translational stop signal (p.Ala1154Leufs*37) and is expected to result in an absent or disrupted protein product. While this particular variant has not been reported in the literature, loss-of-function variants in PTCH1 are known to be pathogenic (PMID: 16301862, 16419085). For these reasons, this variant has been classified as Pathogenic.

Literature cited by the submitters: PubMed 16301862; PubMed 16419085.